The following is an entry in ClinVar:

ClinVar aggregate classification (germline): Uncertain significance. Review status: criteria provided, multiple submitters, no conflicts (2 of 4 stars). 2 submissions from 2 submitters: Uncertain significance (2). Last evaluated 2021-12-17.

Conditions:
Congenital myopathy with internal nuclei and atypical cores. Also called: Myopathy, centronuclear, 4. Identifiers: Orphanet 319160, MedGen C4707232, MONDO:0013890, OMIM 614807.
Inborn genetic diseases. Identifiers: MedGen C0950123, MeSH D030342.

Submissions (2):

Ambry Genetics
Classification: Uncertain significance for Inborn genetic diseases. Last evaluated: 2021-12-17. Review status: criteria provided, single submitter. Criteria: Ambry Variant Classification Scheme 2023. Collection method: clinical testing. Allele origin: germline.

Labcorp Genetics (formerly Invitae), Labcorp
Classification: Uncertain significance for Congenital myopathy with internal nuclei and atypical cores. Last evaluated: 2021-07-26. Review status: criteria provided, single submitter. Criteria: Invitae Variant Classification Sherloc (09022015). Collection method: clinical testing. Allele origin: germline.
Comment: In summary, the available evidence is currently insufficient to determine the role of this variant in disease. Therefore, it has been classified as a Variant of Uncertain Significance. Algorithms developed to predict the effect of missense changes on protein structure and function are either unavailable or do not agree on the potential impact of this missense change (SIFT: "Deleterious"; PolyPhen-2: "Probably Damaging"; Align-GVGD: "Class C0"). This variant has not been reported in the literature in individuals with CCDC78-related conditions. This variant is not present in population databases (ExAC no frequency). This sequence change replaces arginine with glycine at codon 282 of the CCDC78 protein (p.Arg282Gly). The arginine residue is moderately conserved and there is a moderate physicochemical difference between arginine and glycine.

NM_001378030.1(CCDC78):c.844C>G (p.Arg282Gly)

Gene: CCDC78 (coiled-coil domain containing 78; minus strand). Cytogenetic location: 16p13.3.
Variant type: single nucleotide variant.
Coding change: c.844C>G on transcript NM_001378030.1 (MANE Select); coding-DNA position 844, C replaced by G.
Protein change: p.Arg282Gly; replaces arginine 282 with glycine.
Molecular consequence: missense variant. On other transcripts: non-coding transcript variant (5).
Genome position (GRCh38, 1-based): chr16:724,431, G>C on the plus strand (C>G on the coding strand, the complement: CCDC78 is on the minus strand). VCF-style: chr16-724431-G-C. GRCh37 (hg19) VCF-style: chr16-774431-G-C.
Other names: c.844C>G (NM_001031737.2); c.844C>G, p.Arg282Gly (NM_001031737.3, NM_001378031.1); c.277C>G, p.Arg93Gly (NM_001378033.1); short protein forms R93G, R282G.
Identifiers: ClinVar variation 1513732 (VCV001513732.9), dbSNP rs747752625, ClinGen allele CA394100515.
Genomic context (GRCh38, chr16:724,431, plus strand): 5'-TCTTGTGGTAGCTGCGGGCAGCCCGGGCCAGCTGCTGCTCACGGCTGCGGTGCGCTGCCC[G>C]GATGTCCTCCAGAGTCGCCTCCAGGAATGTCCGGAGGGCCGTGGTGGCTGGCGCTTGGCC-3'
Protein context (NP_001364959.1, residues 272-292): TFLEATLEDI[Arg282Gly]AAHRSREQQL